The following is an entry in ClinVar:

ClinVar aggregate classification (germline): Likely benign. Review status: criteria provided, single submitter (1 of 4 stars). 2 submissions from 2 submitters: Likely benign (1). 1 of the submissions does not count toward it. Last evaluated 2024-06-01.

Conditions:
TANC2-related disorder. Also called: TANC2-related condition.

Allele frequency attached by ClinVar (database versions not stated): ESP Exome Variant Server 0.00032; TOPMed 0.00042; gnomAD 0.00058; ExAC 0.00070; gnomAD exomes 0.00075; 1000 Genomes Project 30x 0.00172; 1000 Genomes Project 0.00200.
gnomAD v4.1: 1,225 of 1,613,966 alleles (0.076%); highest among the groups gnomAD compares: East Asian, 2.2%; 29 homozygotes.

Submissions (2):

CeGaT Center for Human Genetics Tuebingen
Classification: Likely benign. Last evaluated: 2024-06-01. Review status: criteria provided, single submitter. Criteria: CeGaT Center For Human Genetics Tuebingen Variant Classification Criteria Version 2. Collection method: clinical testing. Allele origin: germline. Affected: yes. Observed: 1 variant allele.
Comment: TANC2: BS1

PreventionGenetics, part of Exact Sciences
Classification: Benign for TANC2-related condition. Last evaluated: 2024-04-17. Review status: no assertion criteria provided. Collection method: clinical testing. Allele origin: germline. Not counted in ClinVar's aggregate classification.
Comment: This variant is classified as benign based on ACMG/AMP sequence variant interpretation guidelines (Richards et al. 2015 PMID: 25741868, with internal and published modifications).

NM_001394998.1(TANC2):c.3661T>C (p.Ser1221Pro)

Genes: TANC2 (tetratricopeptide repeat, ankyrin repeat and coiled-coil containing 2; plus strand), LOC105371856 (uncharacterized LOC105371856; minus strand). Cytogenetic location: 17q23.3.
Variant type: single nucleotide variant.
Coding change: c.3661T>C on transcript NM_001394998.1 (MANE Select); coding-DNA position 3661, T replaced by C.
Protein change: p.Ser1221Pro; replaces serine 1221 with proline.
Molecular consequence: missense variant.
Genome position (GRCh38, 1-based): chr17:63,411,582, T>C. VCF-style: chr17-63411582-T-C. GRCh37 (hg19) VCF-style: chr17-61488943-T-C.
Other names: c.3439T>C, p.Ser1147Pro (NM_001411076.1, NM_025185.4); short protein forms S1147P, S1221P.
Identifiers: ClinVar variation 3043538 (VCV003043538.19), dbSNP rs77573295, ClinGen allele CA8698045.
Genomic context (GRCh38, chr17:63,411,582, plus strand): 5'-GCTCTTATGGACAAAGAAGGATTGACAGCCCTCAGCTGGGCTTGTTTGAAGGGCCATCTC[T>C]CAGTAGTACGTTCTCTGGTGGATAACGGAGCTGCCACAGACCATGCTGACAAGAATGGCC-3'
Protein context (NP_001381927.1, residues 1211-1231): LSWACLKGHL[Ser1221Pro]VVRSLVDNGA